The following is an entry in ClinVar:

NM_052867.4(NALCN):c.2674A>T (p.Met892Leu)

Gene: NALCN (sodium leak channel, non-selective; minus strand). Cytogenetic location: 13q33.1.
Variant type: single nucleotide variant.
Coding change: c.2674A>T on transcript NM_052867.4 (MANE Select); coding-DNA position 2674, A replaced by T.
Protein change: p.Met892Leu; replaces methionine 892 with leucine.
Molecular consequence: missense variant.
Genome position (GRCh38, 1-based): chr13:101,104,613, T>A on the plus strand (A>T on the coding strand, the complement: NALCN is on the minus strand). VCF-style: chr13-101104613-T-A. GRCh37 (hg19) VCF-style: chr13-101756964-T-A.
Other names: c.2761A>T, p.Met921Leu (NM_001350748.2); c.2674A>T, p.Met892Leu (NM_001350749.2); c.2587A>T, p.Met863Leu (NM_001350750.2, NM_001350751.2); short protein forms M863L, M892L, M921L.
Identifiers: ClinVar variation 3343024 (VCV003343024.1).
Genomic context (GRCh38, chr13:101,104,613, plus strand): 5'-CTCTTCGAAACGGGGACTCAAACATCATGGAAATGCAAGAGCAGATGGTTACGATGATCA[T>A]GACCCAGTCCAGGTAAGTGACCAATCCCAGCAAATCACTGCCAAAGACCAAACAAAATTG-3'
Protein context (NP_443099.1, residues 882-902): LGLVTYLDWV[Met892Leu]IIVTICSCIS

ClinVar aggregate classification (germline): Uncertain significance (1 of 4 stars; one submission).

gnomAD v4.1: 1 of 1,613,982 alleles (0.000062%); highest among the groups gnomAD compares: Admixed American, 0.0017%; no homozygotes.

Submission:

GeneDx
Classification: Uncertain significance. Last evaluated: 2023-04-06. Review status: criteria provided, single submitter. Criteria: GeneDx Variant Classification Process June 2021. Collection method: clinical testing. Allele origin: germline. Affected: yes.
Comment: In silico analysis supports that this missense variant has a deleterious effect on protein structure/function; Has not been previously published as pathogenic or benign to our knowledge